The following is an entry in ClinVar:

NM_153252.5(BRWD3):c.1298G>A (p.Arg433His)

Gene: BRWD3 (bromodomain and WD repeat domain containing 3; minus strand). Cytogenetic location: Xq21.1.
Variant type: single nucleotide variant.
Coding change: c.1298G>A on transcript NM_153252.5 (MANE Select); coding-DNA position 1298, G replaced by A.
Protein change: p.Arg433His; replaces arginine 433 with histidine.
Molecular consequence: missense variant.
Genome position (GRCh38, 1-based): chrX:80,728,840, C>T on the plus strand (G>A on the coding strand, the complement: BRWD3 is on the minus strand). VCF-style: chrX-80728840-C-T. GRCh37 (hg19) VCF-style: chrX-79984339-C-T.
Other names: short protein forms R433H.
Identifiers: ClinVar variation 3360981 (VCV003360981.1).

ClinVar aggregate classification (germline): Uncertain significance (1 of 4 stars; one submission).

gnomAD v4.1: 1 of 1,205,476 alleles (0.000083%); highest among the groups gnomAD compares: Non-Finnish European, 0.00011%; no homozygotes.

Submission:

GeneDx
Classification: Uncertain significance. Last evaluated: 2023-07-10. Review status: criteria provided, single submitter. Criteria: GeneDx Variant Classification Process June 2021. Collection method: clinical testing. Allele origin: germline. Affected: yes.
Comment: Not observed at significant frequency in large population cohorts (gnomAD); In silico analysis supports that this missense variant has a deleterious effect on protein structure/function; Has not been previously published as pathogenic or benign to our knowledge